The following is an entry in ClinVar:

NM_001009999.3(KDM1A):c.1974del (p.Pro659fs)

Gene: KDM1A (lysine demethylase 1A; plus strand). Cytogenetic location: 1p36.12.
Variant type: Deletion.
Coding change: c.1974del on transcript NM_001009999.3 (MANE Select); coding-DNA position 1974, one base deleted (A; older notation c.1974delA).
Protein change: p.Pro659fs; shifts the reading frame from proline 659.
Molecular consequence: frameshift variant.
Genome position (GRCh38, 1-based): chr1:23,079,096, A deleted. VCF-style (leftmost placement, unchanged base first): chr1-23079095-CA-C. GRCh37 (hg19) VCF-style: chr1-23405588-CA-C.
Other names: c.1920del, p.Pro641fs (NM_001363654.2); c.1980delA, p.Pro661Glnfs (NM_001410762.1); c.1902delA, p.Pro635Glnfs (NM_001410763.1); c.1902del, p.Pro635fs (NM_015013.4); short protein forms P635fs, P641fs, P659fs.
Identifiers: ClinVar variation 1806372 (VCV001806372.1), dbSNP rs2522793070, ClinGen allele CA1139771244.

ClinVar aggregate classification (germline): Uncertain significance (1 of 4 stars; one submission).

Conditions:
Palatal anomalies-widely spaced teeth-facial dysmorphism-developmental delay syndrome. Also called: Cleft palate, psychomotor retardation, and distinctive facial features. Identifiers: Orphanet 477993, MedGen C4225229, MONDO:0014751, OMIM 616728.

Submission:

Victorian Clinical Genetics Services, Murdoch Childrens Research Institute
Classification: Uncertain significance for Palatal anomalies-widely spaced teeth-facial dysmorphism-developmental delay syndrome. Last evaluated: 2021-05-06. Review status: criteria provided, single submitter. Criteria: ACMG Guidelines, 2015. Collection method: clinical testing. Allele origin: germline. Inheritance: Autosomal dominant inheritance. Affected: yes.
Comment: Based on the classification scheme VCGS_Germline_v1.3.4, this variant is classified as VUS-3B. Following criteria are met: 0102 - Loss of function is a known mechanism of disease in this gene and is associated with cleft palate, psychomotor retardation, and distinctive facial features (MIM#616728) (OMIM, PMID: 27094131). (I) 0107 - This gene is associated with autosomal dominant disease. (I) 0201 - Variant is predicted to cause nonsense-mediated decay (NMD) and loss of protein (premature termination codon is located at least 54 nucleotides upstream of the final exon-exon junction). (SP) 0251 - This variant is heterozygous. (I) 0301 - Variant is absent from gnomAD (both v2 and v3). (SP) 0708 - Other NMD variants comparable to the one identified in this case have conflicting previous evidence for pathogenicity. One de novo variant predicted to cause NMD has been reported as likely pathogenic in ClinVar with no phenotypic information and another NMD predicted variant has been reported as a VUS in DECIPHER. (I) 0807 - This variant has no previous evidence of pathogenicity. (I) 0905 - No published segregation evidence has been identified for this variant. (I) 1007 - No published functional evidence has been identified for this variant. (I) Legend: (SP) - Supporting pathogenic, (I) - Information, (SB) - Supporting benign

Literature cited by the submitters: PubMed 27094131.